The following is an entry in ClinVar:

ClinVar aggregate classification (germline): Benign (1 of 4 stars; one submission).

Conditions:
Hereditary leiomyomatosis and renal cell cancer. Also called: MULTIPLE CUTANEOUS AND UTERINE LEIOMYOMATA 1, WITH OR WITHOUT RENAL CELL CARCINOMA; LEIOMYOMA, MULTIPLE CUTANEOUS; FH tumor predisposition syndrome; Reed syndrome; Multiple cutaneous and uterine leiomyomatosis; Cutaneous leiomyomata with uterine leiomyomata. Identifiers: Orphanet 523, MedGen C1708350, MONDO:0007888, OMIM 150800, HP:0007437. Disease mechanism: loss of function.

Submission:

Myriad Genetics, Inc.
Classification: Benign for Hereditary leiomyomatosis and renal cell cancer. Last evaluated: 2024-10-21. Review status: criteria provided, single submitter. Criteria: Myriad Autosomal Dominant, Autosomal Recessive and X-Linked Classification Criteria (2023). Collection method: clinical testing. Allele origin: unknown.
Comment: This variant is considered benign. This variant is a silent/synonymous amino acid change and it is not expected to impact splicing.

NM_000143.4(FH):c.1264C>T (p.Leu422=)

Gene: FH (fumarate hydratase; minus strand). Cytogenetic location: 1q43.
Variant type: single nucleotide variant.
Coding change: c.1264C>T on transcript NM_000143.4 (MANE Select); coding-DNA position 1264, C replaced by T.
Protein change: p.Leu422=; no amino-acid change (leucine 422 retained).
Molecular consequence: synonymous variant.
Genome position (GRCh38, 1-based): chr1:241,500,563, G>A on the plus strand (C>T on the coding strand, the complement: FH is on the minus strand). VCF-style: chr1-241500563-G-A. GRCh37 (hg19) VCF-style: chr1-241663863-G-A.
Identifiers: ClinVar variation 3773083 (VCV003773083.1).